The following is an entry in ClinVar:

ClinVar aggregate classification (germline): Uncertain significance (1 of 4 stars; one submission).

Conditions:
Hereditary cancer-predisposing syndrome. Also called: Neoplastic Syndromes, Hereditary; Hereditary Cancer Syndrome; Tumor predisposition; Hereditary neoplastic syndrome. Identifiers: Orphanet 140162, MedGen C0027672, MeSH D009386, MONDO:0015356.

Submission:

Ambry Genetics
Classification: Uncertain significance for Hereditary cancer-predisposing syndrome. Last evaluated: 2025-03-07. Review status: criteria provided, single submitter. Criteria: Ambry Variant Classification Scheme 2023. Collection method: clinical testing. Allele origin: germline.
Comment: The p.K792M variant (also known as c.2375A>T), located in coding exon 14 of the ATM gene, results from an A to T substitution at nucleotide position 2375. The lysine at codon 792 is replaced by methionine, an amino acid with similar properties. This amino acid position is highly conserved in available vertebrate species. In addition, the in silico prediction for this alteration is inconclusive. Based on the available evidence, the clinical significance of this variant remains unclear.

NM_000051.4(ATM):c.2375A>T (p.Lys792Met)

Gene: ATM (ATM serine/threonine kinase; plus strand). Cytogenetic location: 11q22.3.
Variant type: single nucleotide variant.
Coding change: c.2375A>T on transcript NM_000051.4 (MANE Select); coding-DNA position 2375, A replaced by T.
Protein change: p.Lys792Met; replaces lysine 792 with methionine.
Molecular consequence: missense variant.
Genome position (GRCh38, 1-based): chr11:108,257,605, A>T. VCF-style: chr11-108257605-A-T. GRCh37 (hg19) VCF-style: chr11-108128332-A-T.
Other names: c.2375A>T, p.Lys792Met (NM_001351834.2); short protein forms K792M.
Identifiers: ClinVar variation 3802883 (VCV003802883.1).